The following is an entry in ClinVar:

ClinVar aggregate classification (germline): Uncertain significance (1 of 4 stars; one submission).

Conditions:
Hereditary cancer-predisposing syndrome. Also called: Neoplastic Syndromes, Hereditary; Tumor predisposition; Hereditary neoplastic syndrome; Hereditary Cancer Syndrome. Identifiers: Orphanet 140162, MedGen C0027672, MeSH D009386, MONDO:0015356.

Submission:

Ambry Genetics
Classification: Uncertain significance for Hereditary cancer-predisposing syndrome. Last evaluated: 2026-07-02. Review status: criteria provided, single submitter. Criteria: Ambry Variant Classification Scheme 2023. Collection method: clinical testing. Allele origin: germline.
Comment: The p.N1496K variant (also known as c.4488C>A), located in coding exon 33 of the TSC2 gene, results from a C to A substitution at nucleotide position 4488. The asparagine at codon 1496 is replaced by lysine, an amino acid with similar properties. This amino acid position is conserved. In addition, the in silico prediction for this alteration is inconclusive. Based on the available evidence, the clinical significance of this variant remains unclear.

NM_000548.5(TSC2):c.4488C>A (p.Asn1496Lys)

Gene: TSC2 (TSC complex subunit 2; plus strand). Cytogenetic location: 16p13.3.
Variant type: single nucleotide variant.
Coding change: c.4488C>A on transcript NM_000548.5 (MANE Select); coding-DNA position 4488, C replaced by A.
Protein change: p.Asn1496Lys; replaces asparagine 1496 with lysine.
Molecular consequence: missense variant. On other transcripts: non-coding transcript variant (5).
Genome position (GRCh38, 1-based): chr16:2,084,710, C>A. VCF-style: chr16-2084710-C-A. GRCh37 (hg19) VCF-style: chr16-2134711-C-A.
Other names: c.4287C>A, p.Asn1429Lys (NM_001077183.3); c.4419C>A, p.Asn1473Lys (NM_001114382.3); c.4380C>A, p.Asn1460Lys (NM_001406667.1); c.4377C>A, p.Asn1459Lys (NM_001406668.1); c.4308C>A, p.Asn1436Lys (NM_001406670.1); c.4278C>A, p.Asn1426Lys (NM_001406671.1); c.4275C>A, p.Asn1425Lys (NM_001406673.1); c.4272C>A, p.Asn1424Lys (NM_001406675.1); and 26 more; short protein forms N1025K, N1252K, N1276K, N1380K, N1393K, N1410K, N1430K, N1452K.
Identifiers: ClinVar variation 5031317 (VCV005031317.1).